The following is an entry in ClinVar:

ClinVar aggregate classification (germline): Uncertain significance. Review status: criteria provided, multiple submitters, no conflicts (2 of 4 stars). 2 submissions from 2 submitters: Uncertain significance (2). Last evaluated 2025-04-30.

Conditions:
Hereditary cancer-predisposing syndrome. Also called: Neoplastic Syndromes, Hereditary; Tumor predisposition; Hereditary Cancer Syndrome; Hereditary neoplastic syndrome. Identifiers: Orphanet 140162, MedGen C0027672, MeSH D009386, MONDO:0015356.
Gastrointestinal stromal tumor. Also called: Gastrointestinal stromal tumor, somatic; Gastrointestinal stroma tumor. Identifiers: Orphanet 44890, MedGen C0238198, MeSH D046152, MONDO:0011719, OMIM 606764, HP:0100723.

Submissions (2):

Labcorp Genetics (formerly Invitae), Labcorp
Classification: Uncertain significance for Gastrointestinal stromal tumor. Last evaluated: 2025-04-30. Review status: criteria provided, single submitter. Criteria: Invitae Variant Classification Sherloc (09022015). Collection method: clinical testing. Allele origin: germline.
Comment: This sequence change replaces aspartic acid, which is acidic and polar, with histidine, which is basic and polar, at codon 1074 of the PDGFRA protein (p.Asp1074His). This variant is not present in population databases (gnomAD no frequency). This variant has not been reported in the literature in individuals affected with PDGFRA-related conditions. An algorithm developed to predict the effect of missense changes on protein structure and function (PolyPhen-2) suggests that this variant is likely to be disruptive. In summary, the available evidence is currently insufficient to determine the role of this variant in disease. Therefore, it has been classified as a Variant of Uncertain Significance.

Ambry Genetics
Classification: Uncertain significance for Hereditary cancer-predisposing syndrome. Last evaluated: 2025-03-24. Review status: criteria provided, single submitter. Criteria: Ambry Variant Classification Scheme 2023. Collection method: clinical testing. Allele origin: germline.
Comment: The p.D1074H variant (also known as c.3220G>C), located in coding exon 22 of the PDGFRA gene, results from a G to C substitution at nucleotide position 3220. The aspartic acid at codon 1074 is replaced by histidine, an amino acid with similar properties. This amino acid position is conserved. In addition, the in silico prediction for this alteration is inconclusive. Based on the available evidence, the clinical significance of this variant remains unclear.

NM_006206.6(PDGFRA):c.3220G>C (p.Asp1074His)

Gene: PDGFRA (platelet derived growth factor receptor alpha; plus strand). Cytogenetic location: 4q12.
Variant type: single nucleotide variant.
Coding change: c.3220G>C on transcript NM_006206.6 (MANE Select); coding-DNA position 3220, G replaced by C.
Protein change: p.Asp1074His; replaces aspartic acid 1074 with histidine.
Molecular consequence: missense variant.
Genome position (GRCh38, 1-based): chr4:54,295,222, G>C. VCF-style: chr4-54295222-G-C. GRCh37 (hg19) VCF-style: chr4-55161389-G-C.
Other names: c.3295G>C, p.Asp1099His (NM_001347828.2); c.3220G>C, p.Asp1074His (NM_001347829.2); c.3259G>C, p.Asp1087His (NM_001347830.2); short protein forms D1087H, D1099H, D1074H.
Identifiers: ClinVar variation 3930190 (VCV003930190.2).